The following is an entry in ClinVar:

ClinVar aggregate classification (germline): Conflicting classifications of pathogenicity. Review status: criteria provided, conflicting classifications (1 of 4 stars). 2 submissions from 2 submitters: Uncertain significance (1); Likely benign (1). Last evaluated 2025-10-20.

Conditions:
Inborn genetic diseases. Identifiers: MedGen C0950123, MeSH D030342.

Allele frequency attached by ClinVar (database versions not stated): gnomAD exomes 0.00003; gnomAD 0.00004; ExAC 0.00007; TOPMed 0.00016.
gnomAD v4.1: 41 of 1,419,024 alleles (0.0029%); highest among the groups gnomAD compares: Admixed American, 0.029%; no homozygotes.

Submissions (2):

Labcorp Genetics (formerly Invitae), Labcorp
Classification: Likely benign. Last evaluated: 2025-10-20. Review status: criteria provided, single submitter. Criteria: Invitae Variant Classification Sherloc (09022015). Collection method: clinical testing. Allele origin: germline.

Ambry Genetics
Classification: Uncertain significance for Inborn genetic diseases. Last evaluated: 2021-10-01. Review status: criteria provided, single submitter. Criteria: Ambry Variant Classification Scheme 2023. Collection method: clinical testing. Allele origin: germline.
Comment: The c.256-6T>C intronic alteration consists of a T to C substitution 6 nucleotides before coding exon 4 in the GABRA2 gene. Based on insufficient or conflicting evidence, the clinical significance of this alteration remains unclear.

NM_000807.4(GABRA2):c.256-6T>C

Gene: GABRA2 (gamma-aminobutyric acid type A receptor subunit alpha2; minus strand). Cytogenetic location: 4p12.
Variant type: single nucleotide variant.
Coding change: c.256-6T>C on transcript NM_000807.4 (MANE Select); 6 bases into the intron before coding-DNA position 256, T replaced by C.
Molecular consequence: intron variant.
Genome position (GRCh38, 1-based): chr4:46,312,722, A>G on the plus strand (T>C on the coding strand, the complement: GABRA2 is on the minus strand). VCF-style: chr4-46312722-A-G. GRCh37 (hg19) VCF-style: chr4-46314739-A-G.
Other names: c.91-6T>C (NM_001377154.1, NM_001377152.1, NM_001286827.3 and 1 more transcripts); c.256-6T>C (NM_001377146.1, NM_001377145.1, NM_001377144.1 and 9 more transcripts).
Identifiers: ClinVar variation 2188722 (VCV002188722.5), dbSNP rs748254534, ClinGen allele CA2906735.